The following is an entry in ClinVar:

ClinVar aggregate classification (germline): Uncertain significance (1 of 4 stars; one submission).

gnomAD v4.1: 1 of 1,613,950 alleles (0.000062%); no homozygotes.

Submission:

Labcorp Genetics (formerly Invitae), Labcorp
Classification: Uncertain significance. Last evaluated: 2025-10-21. Review status: criteria provided, single submitter. Criteria: Invitae Variant Classification Sherloc (09022015). Collection method: clinical testing. Allele origin: germline.
Comment: This sequence change replaces proline, which is neutral and non-polar, with glutamine, which is neutral and polar, at codon 118 of the SIX2 protein (p.Pro118Gln). This variant is not present in population databases (gnomAD no frequency). This variant has not been reported in the literature in individuals affected with SIX2-related conditions. Invitae Evidence Modeling of protein sequence and biophysical properties (such as structural, functional, and spatial information, amino acid conservation, physicochemical variation, residue mobility, and thermodynamic stability) indicates that this missense variant is expected to disrupt SIX2 protein function with a positive predictive value of 80%. In summary, the available evidence is currently insufficient to determine the role of this variant in disease. Therefore, it has been classified as a Variant of Uncertain Significance.

NM_016932.5(SIX2):c.353C>A (p.Pro118Gln)

Gene: SIX2 (SIX homeobox 2; minus strand). Cytogenetic location: 2p21.
Variant type: single nucleotide variant.
Coding change: c.353C>A on transcript NM_016932.5 (MANE Select); coding-DNA position 353, C replaced by A.
Protein change: p.Pro118Gln; replaces proline 118 with glutamine.
Molecular consequence: missense variant.
Genome position (GRCh38, 1-based): chr2:45,008,758, G>T on the plus strand (C>A on the coding strand, the complement: SIX2 is on the minus strand). VCF-style: chr2-45008758-G-T. GRCh37 (hg19) VCF-style: chr2-45235897-G-T.
Other names: short protein forms P118Q.
Identifiers: ClinVar variation 4742885 (VCV004742885.1).